The following is an entry in ClinVar:

ClinVar aggregate classification (germline): Uncertain significance (1 of 4 stars; one submission).

Allele frequency attached by ClinVar (database versions not stated): ExAC 0.00001; gnomAD 0.00001; gnomAD exomes 0.00001; TOPMed 0.00001.
gnomAD v4.1: 8 of 1,613,906 alleles (0.0005%); highest among the groups gnomAD compares: Admixed American, 0.0083%; no homozygotes.

Submission:

Labcorp Genetics (formerly Invitae), Labcorp
Classification: Uncertain significance. Last evaluated: 2022-05-21. Review status: criteria provided, single submitter. Criteria: Invitae Variant Classification Sherloc (09022015). Collection method: clinical testing. Allele origin: germline.
Comment: This sequence change replaces aspartic acid, which is acidic and polar, with asparagine, which is neutral and polar, at codon 466 of the PTPN23 protein (p.Asp466Asn). This variant is present in population databases (rs771750174, gnomAD 0.01%). This variant has not been reported in the literature in individuals affected with PTPN23-related conditions. Algorithms developed to predict the effect of missense changes on protein structure and function are either unavailable or do not agree on the potential impact of this missense change (SIFT: "Tolerated"; PolyPhen-2: "Not Available"; Align-GVGD: "Class C0"). In summary, the available evidence is currently insufficient to determine the role of this variant in disease. Therefore, it has been classified as a Variant of Uncertain Significance.

NM_015466.4(PTPN23):c.1396G>A (p.Asp466Asn)

Gene: PTPN23 (protein tyrosine phosphatase non-receptor type 23; plus strand). Cytogenetic location: 3p21.31.
Variant type: single nucleotide variant.
Coding change: c.1396G>A on transcript NM_015466.4 (MANE Select); coding-DNA position 1396, G replaced by A.
Protein change: p.Asp466Asn; replaces aspartic acid 466 with asparagine.
Molecular consequence: missense variant.
Genome position (GRCh38, 1-based): chr3:47,408,841, G>A. VCF-style: chr3-47408841-G-A. GRCh37 (hg19) VCF-style: chr3-47450331-G-A.
Other names: c.1018G>A, p.Asp340Asn (NM_001304482.2); short protein forms D340N, D466N.
Identifiers: ClinVar variation 2416544 (VCV002416544.3), dbSNP rs771750174, ClinGen allele CA2365735.
Genomic context (GRCh38, chr3:47,408,841, plus strand): 5'-TCAGGTGTGTTCACGGATGTGGAGGCTTCCCTGAAGGACATCAGAGATCTGTTGGAGGAG[G>A]ATGAGCTGCTAGAGCAGAAGTTTCAGGAGGCGGTGGGCCAGGCAGGGGCCATCTCCATCA-3'
Protein context (NP_056281.1, residues 456-476): LKDIRDLLEE[Asp466Asn]ELLEQKFQEA